The following is an entry in ClinVar:

ClinVar aggregate classification (germline): Uncertain significance (1 of 4 stars; one submission).

Conditions:
Inborn genetic diseases. Identifiers: MedGen C0950123, MeSH D030342.

Submission:

Ambry Genetics
Classification: Uncertain significance for Inborn genetic diseases. Last evaluated: 2026-07-28. Review status: criteria provided, single submitter. Criteria: Ambry Variant Classification Scheme 2023. Collection method: clinical testing. Allele origin: germline.
Comment: The p.R127K variant (also known as c.380G>A), located in coding exon 1 of the SAMD9L gene, results from a G to A substitution at nucleotide position 380. The arginine at codon 127 is replaced by lysine, an amino acid with highly similar properties. This amino acid position is conserved. In addition, this alteration is predicted to be tolerated by in silico analysis. Based on the available evidence, the clinical significance of this variant remains unclear.

NM_152703.5(SAMD9L):c.380G>A (p.Arg127Lys)

Gene: SAMD9L (sterile alpha motif domain containing 9 like; minus strand). Cytogenetic location: 7q21.2.
Variant type: single nucleotide variant.
Coding change: c.380G>A on transcript NM_152703.5 (MANE Select); coding-DNA position 380, G replaced by A.
Protein change: p.Arg127Lys; replaces arginine 127 with lysine.
Molecular consequence: missense variant.
Genome position (GRCh38, 1-based): chr7:93,135,592, C>T on the plus strand (G>A on the coding strand, the complement: SAMD9L is on the minus strand). VCF-style: chr7-93135592-C-T. GRCh37 (hg19) VCF-style: chr7-92764905-C-T.
Other names: c.380G>A, p.Arg127Lys (NM_001303496.3, NM_001303497.3, NM_001303498.3 and 5 more transcripts); short protein forms R127K.
Identifiers: ClinVar variation 5028923 (VCV005028923.1).